The following is an entry in ClinVar:

NM_001123385.2(BCOR):c.2389_2390del (p.Val797fs)

Gene: BCOR (BCL6 corepressor; minus strand). Cytogenetic location: Xp11.4.
Variant type: Deletion.
Coding change: c.2389_2390del on transcript NM_001123385.2 (MANE Select); coding-DNA positions 2389 to 2390, 2 bases deleted (GT; older notation c.2389_2390delGT).
Protein change: p.Val797fs; shifts the reading frame from valine 797.
Molecular consequence: frameshift variant.
Genome position (GRCh38, 1-based): chrX:40,072,956-40,072,957, AC deleted on the plus strand (GT on the coding strand, the reverse complement: BCOR is on the minus strand); deleting any 2 consecutive bases within chrX:40,072,956-40,072,958 gives the same sequence; the c. name uses the placement nearest the transcript's 3' end. VCF-style (leftmost placement, unchanged base first): chrX-40072955-AAC-A. GRCh37 (hg19) VCF-style: chrX-39932208-AAC-A.
Other names: c.2388_2389delTG, p.Val797Cysfs (NM_001123383.2); c.2389_2390del, p.Val797fs (NM_001123384.2, NM_017745.6); short protein forms V797fs.
Identifiers: ClinVar variation 1324437 (VCV001324437.6), dbSNP rs2147215369, ClinGen allele CA645602833.

ClinVar aggregate classification (germline): Pathogenic/Likely pathogenic. Review status: criteria provided, multiple submitters, no conflicts (2 of 4 stars). 3 submissions from 3 submitters: Pathogenic (2); Likely pathogenic (1). Last evaluated 2024-03-28.

Conditions:
BCOR-related disorder. Also called: BCOR-related disorders; BCOR-related condition.
Oculofaciocardiodental syndrome (MCOPS2). Identifiers: Orphanet 2712, MedGen C1846265, MONDO:0010261, OMIM 300166.

Submissions (3):

GeneDx
Classification: Likely pathogenic. Last evaluated: 2024-03-28. Review status: criteria provided, single submitter. Criteria: GeneDx Variant Classification Process June 2021. Collection method: clinical testing. Allele origin: germline. Affected: yes.
Comment: Frameshift variant predicted to result in protein truncation or nonsense mediated decay in a gene for which loss of function is a known mechanism of disease; Not observed at significant frequency in large population cohorts (gnomAD); Has not been previously published as pathogenic or benign to our knowledge

Blueprint Genetics
Classification: Pathogenic for BCOR-related disorders. Last evaluated: 2021-05-20. Review status: criteria provided, single submitter. Criteria: ACMG Guidelines, 2015. Collection method: clinical testing. Allele origin: germline. Affected: yes. Observed: 1 variant allele.

Revvity Omics, Revvity
Classification: Pathogenic for Oculofaciocardiodental syndrome. Last evaluated: 2019-08-13. Review status: criteria provided, single submitter. Criteria: ACMG Guidelines, 2015. Collection method: clinical testing. Allele origin: germline.